The following is an entry in ClinVar:

ClinVar aggregate classification (germline): Likely benign. Review status: criteria provided, single submitter (1 of 4 stars). 2 submissions from 2 submitters: Likely benign (1). 1 of the submissions does not count toward it. Last evaluated 2019-08-16.

Conditions:
TOR1AIP1-related disorder. Also called: TOR1AIP1-related condition.

Allele frequency attached by ClinVar (database versions not stated): gnomAD exomes below 0.00001; ExAC 0.00001; gnomAD 0.00001; TOPMed 0.00001.
gnomAD v4.1: 10 of 1,614,066 alleles (0.00062%); highest among the groups gnomAD compares: Non-Finnish European, 0.00068%; no homozygotes.

Submissions (2):

Blueprint Genetics
Classification: Likely benign. Last evaluated: 2019-08-16. Review status: criteria provided, single submitter. Criteria: ACMG Guidelines, 2015. Collection method: clinical testing. Allele origin: germline.

PreventionGenetics, part of Exact Sciences
Classification: Uncertain significance for TOR1AIP1-related condition. Last evaluated: 2023-12-21. Review status: no assertion criteria provided. Collection method: clinical testing. Allele origin: germline. Not counted in ClinVar's aggregate classification.
Comment: The TOR1AIP1 c.1287A>C variant is predicted to result in the amino acid substitution p.Gln429His. To our knowledge, this variant has not been reported in the literature. This variant is reported in 0.0016% of alleles in individuals of European (Non-Finnish) descent in gnomAD. At this time, the clinical significance of this variant is uncertain due to the absence of conclusive functional and genetic evidence.

NM_015602.4(TOR1AIP1):c.1284A>C (p.Gln428His)

Gene: TOR1AIP1 (torsin 1A interacting protein 1; plus strand). Cytogenetic location: 1q25.2.
Variant type: single nucleotide variant.
Coding change: c.1284A>C on transcript NM_015602.4 (MANE Select); coding-DNA position 1284, A replaced by C.
Protein change: p.Gln428His; replaces glutamine 428 with histidine.
Molecular consequence: missense variant.
Genome position (GRCh38, 1-based): chr1:179,917,771, A>C. VCF-style: chr1-179917771-A-C. GRCh37 (hg19) VCF-style: chr1-179886906-A-C.
Other names: c.1287A>C, p.Gln429His (NM_001267578.2); short protein forms Q428H, Q429H.
Identifiers: ClinVar variation 3048049 (VCV003048049.3), dbSNP rs773336965, ClinGen allele CA1269120.